The following is an entry in ClinVar:

NM_001166114.2(PNPLA6):c.2184+4C>T

Gene: PNPLA6 (patatin like domain 6, lysophospholipase; plus strand). Cytogenetic location: 19p13.2.
Variant type: single nucleotide variant.
Coding change: c.2184+4C>T on transcript NM_001166114.2 (MANE Select); 4 bases into the intron after coding-DNA position 2184, C replaced by T.
Molecular consequence: intron variant.
Genome position (GRCh38, 1-based): chr19:7,551,111, C>T. VCF-style: chr19-7551111-C-T. GRCh37 (hg19) VCF-style: chr19-7615997-C-T.
Other names: c.2067+4C>T (NM_006702.5, NM_001166113.1); c.1989+4C>T (NM_001166112.2); c.2211+4C>T (NM_001166111.2).
Identifiers: ClinVar variation 1499626 (VCV001499626.6), dbSNP rs569845262, ClinGen allele CA304875578.
Genomic context (GRCh38, chr19:7,551,111, plus strand): 5'-GAGCTGGCCAAGCTTCCCGAGGGCACCTTGGGTCACATCAAACGCCGGTACCCGCAGGTG[C>T]GGCCTGTTGTGGGCGGGGCAGAGAGGCGGAGGCGGGACTCCGGGGGGGTGGGGGCCGGGC-3'

ClinVar aggregate classification (germline): Uncertain significance (1 of 4 stars; one submission).

Conditions:
Hereditary spastic paraplegia 39 (SPG39). Also called: Spastic Paraplegia Type 39 (SPG39); SPASTIC PARAPLEGIA 39, AUTOSOMAL RECESSIVE. Identifiers: Orphanet 139480, MedGen C2677586, MONDO:0012787, OMIM 612020.

Allele frequency attached by ClinVar (database versions not stated): gnomAD exomes 0.00001; TOPMed 0.00001; gnomAD 0.00003; 1000 Genomes Project 30x 0.00047; 1000 Genomes Project 0.00060.
gnomAD v4.1: 20 of 1,216,916 alleles (0.0016%); highest among the groups gnomAD compares: South Asian, 0.017%; no homozygotes.

Submission:

Labcorp Genetics (formerly Invitae), Labcorp
Classification: Uncertain significance for Hereditary spastic paraplegia 39. Last evaluated: 2022-07-28. Review status: criteria provided, single submitter. Criteria: Invitae Variant Classification Sherloc (09022015). Collection method: clinical testing. Allele origin: germline.
Comment: In summary, the available evidence is currently insufficient to determine the role of this variant in disease. Therefore, it has been classified as a Variant of Uncertain Significance. This sequence change falls in intron 20 of the PNPLA6 gene. It does not directly change the encoded amino acid sequence of the PNPLA6 protein. It affects a nucleotide within the consensus splice site. This variant is present in population databases (rs569845262, gnomAD 0.002%). This variant has not been reported in the literature in individuals affected with PNPLA6-related conditions. ClinVar contains an entry for this variant (Variation ID: 1499626). Variants that disrupt the consensus splice site are a relatively common cause of aberrant splicing (PMID: 17576681, 9536098). Algorithms developed to predict the effect of sequence changes on RNA splicing suggest that this variant may create or strengthen a splice site.

Literature cited by the submitters: PubMed 17576681; PubMed 9536098.